The following is an entry in ClinVar:

ClinVar aggregate classification (germline): Uncertain significance (1 of 4 stars; one submission).

Conditions:
Cardiovascular phenotype. Identifiers: MedGen CN230736.

Submission:

Ambry Genetics
Classification: Uncertain significance for Cardiovascular phenotype. Last evaluated: 2026-07-04. Review status: criteria provided, single submitter. Criteria: Ambry Variant Classification Scheme 2023. Collection method: clinical testing. Allele origin: germline.
Comment: The p.M1786T variant (also known as c.5357T>C), located in coding exon 35 of the MYH7 gene, results from a T to C substitution at nucleotide position 5357. The methionine at codon 1786 is replaced by threonine, an amino acid with similar properties. This amino acid position is conserved. In addition, the in silico prediction for this alteration is inconclusive. Based on the available evidence, the clinical significance of this variant remains unclear.

NM_000257.4(MYH7):c.5357T>C (p.Met1786Thr)

Gene: MYH7 (myosin heavy chain 7; minus strand). Cytogenetic location: 14q11.2.
Variant type: single nucleotide variant.
Coding change: c.5357T>C on transcript NM_000257.4 (MANE Select); coding-DNA position 5357, T replaced by C.
Protein change: p.Met1786Thr; replaces methionine 1786 with threonine.
Molecular consequence: missense variant.
Genome position (GRCh38, 1-based): chr14:23,415,197, A>G on the plus strand (T>C on the coding strand, the complement: MYH7 is on the minus strand). VCF-style: chr14-23415197-A-G. GRCh37 (hg19) VCF-style: chr14-23884406-A-G.
Other names: c.5357T>C, p.Met1786Thr (NM_001407004.1); short protein forms M1786T.
Identifiers: ClinVar variation 5025160 (VCV005025160.1).
Genomic context (GRCh38, chr14:23,415,197, plus strand): 5'-TTGAGGGCGATCTGCTCGGCTTCGTCCAGCCGGTGCTGCAGGTCCTTAATGGTCTGTTCC[A>G]TGTTCTTCTTCATGCGCTCCAGGTGGGCGCTGGTGTCCTGCTCCTTCTTCAGCTCCTCTG-3'
Protein context (NP_000248.2, residues 1776-1796): SAHLERMKKN[Met1786Thr]EQTIKDLQHR